The following is an entry in ClinVar:

ClinVar aggregate classification (germline): Likely benign. Review status: criteria provided, multiple submitters, no conflicts (2 of 4 stars). 3 submissions from 3 submitters: Likely benign (3). Last evaluated 2025-01-13.

Conditions:
Hereditary cancer-predisposing syndrome. Also called: Hereditary neoplastic syndrome; Tumor predisposition; Neoplastic Syndromes, Hereditary; Hereditary Cancer Syndrome. Identifiers: Orphanet 140162, MedGen C0027672, MeSH D009386, MONDO:0015356.
Familial cancer of breast. Also called: hereditary breast carcinoma; Hereditary breast cancer; BREAST CANCER, FAMILIAL. Identifiers: Orphanet 227535, MedGen C0346153, MONDO:0016419, OMIM 114480. Disease mechanism: loss of function.

Allele frequency attached by ClinVar (database versions not stated): TOPMed below 0.00001; gnomAD 0.00001.
gnomAD v4.1: 3 of 1,613,842 alleles (0.00019%); highest among the groups gnomAD compares: Non-Finnish European, 0.00025%; no homozygotes.

Submissions (3):

Myriad Genetics, Inc.
Classification: Likely benign for Familial cancer of breast. Last evaluated: 2025-01-13. Review status: criteria provided, single submitter. Criteria: Myriad Autosomal Dominant, Autosomal Recessive and X-Linked Classification Criteria (2023). Collection method: clinical testing. Allele origin: unknown.
Comment: This variant is considered likely benign. This variant is a silent/synonymous amino acid change and it is not expected to impact splicing.

Labcorp Genetics (formerly Invitae), Labcorp
Classification: Likely benign for Familial cancer of breast. Last evaluated: 2024-02-20. Review status: criteria provided, single submitter. Criteria: Invitae Variant Classification Sherloc (09022015). Collection method: clinical testing. Allele origin: germline.

Ambry Genetics
Classification: Likely benign for Hereditary cancer-predisposing syndrome. Last evaluated: 2020-07-31. Review status: criteria provided, single submitter. Criteria: Ambry Variant Classification Scheme 2023. Collection method: clinical testing. Allele origin: germline.

NM_024675.4(PALB2):c.1092C>T (p.Gly364=)

Gene: PALB2 (partner and localizer of BRCA2; minus strand). Cytogenetic location: 16p12.2.
Variant type: single nucleotide variant.
Coding change: c.1092C>T on transcript NM_024675.4 (MANE Select); coding-DNA position 1092, C replaced by T.
Protein change: p.Gly364=; no amino-acid change (glycine 364 retained).
Molecular consequence: synonymous variant.
Genome position (GRCh38, 1-based): chr16:23,635,454, G>A on the plus strand (C>T on the coding strand, the complement: PALB2 is on the minus strand). VCF-style: chr16-23635454-G-A. GRCh37 (hg19) VCF-style: chr16-23646775-G-A.
Identifiers: ClinVar variation 1348529 (VCV001348529.10), dbSNP rs1966994380, ClinGen allele CA494461542.